The following is an entry in ClinVar:

ClinVar aggregate classification (germline): Uncertain significance (1 of 4 stars; one submission).

Conditions:
AHDC1-related intellectual disability - obstructive sleep apnea - mild dysmorphism syndrome. Also called: Xia-Gibbs syndrome. Identifiers: Orphanet 412069, MedGen C4014419, MONDO:0014358, OMIM 615829.

Submission:

Genetics Department, Catlab
Classification: Uncertain significance for AHDC1-related intellectual disability - obstructive sleep apnea - mild dysmorphism syndrome. Last evaluated: 2024-10-11. Review status: criteria provided, single submitter. Criteria: ACMG Guidelines, 2015. Collection method: clinical testing. Allele origin: germline. Affected: yes. Observed: 1 variant allele.
Comment: The c.4589dup frameshift variant in the AHDC1 gene gene is a loss of function variant not predicted to undergo nonsense mediated decay which alters <10% of the protein (PVS1_Moderate). Moreover, the variant is absent from the gnomAD 4.1 database of common variants (PM2). With all the available evidence, the variant is classified as of unknown significance.

NM_001371928.1(AHDC1):c.4589dup (p.Ala1532fs)

Gene: AHDC1 (AT-hook DNA binding motif containing 1; minus strand). Cytogenetic location: 1p36.11.
Variant type: Duplication.
Coding change: c.4589dup on transcript NM_001371928.1 (MANE Select); coding-DNA position 4589, one base duplicated (G; older notation c.4589dupG).
Protein change: p.Ala1532fs; shifts the reading frame from alanine 1532.
Molecular consequence: frameshift variant.
Genome position (GRCh38, 1-based): chr1:27,547,527, C duplicated on the plus strand (G on the coding strand, the reverse complement: AHDC1 is on the minus strand); the first of 2 consecutive C bases (chr1:27,547,527-27,547,528); duplicating either gives the same sequence. VCF-style (leftmost placement, unchanged base first): chr1-27547526-G-GC. GRCh37 (hg19) VCF-style: chr1-27874037-G-GC.
Other names: c.4589dup, p.Ala1532fs (NM_001029882.3); short protein forms A1532fs.
Identifiers: ClinVar variation 3383380 (VCV003383380.1).